The following is an entry in ClinVar:

ClinVar aggregate classification (germline): Likely benign (1 of 4 stars; one submission).

Submission:

CeGaT Center for Human Genetics Tuebingen
Classification: Likely benign. Last evaluated: 2026-07-01. Review status: criteria provided, single submitter. Criteria: CeGaT Center For Human Genetics Tuebingen Variant Classification Criteria Version 2. Collection method: clinical testing. Allele origin: germline. Affected: yes. Observed: 1 variant allele.
Comment: TNRC6B: PM2:Supporting, BP4, BP7

NM_001162501.2(TNRC6B):c.165A>T (p.Pro55=)

Gene: TNRC6B (trinucleotide repeat containing adaptor 6B; plus strand). Cytogenetic location: 22q13.1.
Variant type: single nucleotide variant.
Coding change: c.165A>T on transcript NM_001162501.2 (MANE Select); coding-DNA position 165, A replaced by T.
Protein change: p.Pro55=; no amino-acid change (proline 55 retained).
Molecular consequence: synonymous variant.
Genome position (GRCh38, 1-based): chr22:40,261,881, A>T. VCF-style: chr22-40261881-A-T. GRCh37 (hg19) VCF-style: chr22-40657885-A-T.
Other names: c.273A>T, p.Pro91= (NM_001024843.2); c.165A>T, p.Pro55= (NM_015088.3).
Identifiers: ClinVar variation 5039974 (VCV005039974.1).